The following is an entry in ClinVar:

NM_001372.4(DNAH9):c.826G>A (p.Gly276Ser)

Gene: DNAH9 (dynein axonemal heavy chain 9; plus strand). Cytogenetic location: 17p12.
Variant type: single nucleotide variant.
Coding change: c.826G>A on transcript NM_001372.4 (MANE Select); coding-DNA position 826, G replaced by A.
Protein change: p.Gly276Ser; replaces glycine 276 with serine.
Molecular consequence: missense variant.
Genome position (GRCh38, 1-based): chr17:11,611,702, G>A. VCF-style: chr17-11611702-G-A. GRCh37 (hg19) VCF-style: chr17-11515019-G-A.
Other names: short protein forms G276S.
Identifiers: ClinVar variation 2460842 (VCV002460842.4), dbSNP rs2544207734, ClinGen allele CA398163051.
Genomic context (GRCh38, chr17:11,611,702, plus strand): 5'-TATTGCAGGTATGAAGATCTGAAATACATCTATAATCAACTGAGAACAATAACGGTGAGG[G>A]GCATGGCCAAGCTCCTGGACAAGCTTCAGAGTAGCTACTTTCCAGCTTTCAAAGCCATGT-3'
Protein context (NP_001363.2, residues 266-286): YNQLRTITVR[Gly276Ser]MAKLLDKLQS

ClinVar aggregate classification (germline): Uncertain significance. Review status: criteria provided, multiple submitters, no conflicts (2 of 4 stars). 2 submissions from 2 submitters: Uncertain significance (2). Last evaluated 2025-09-08.

Conditions:
Inborn genetic diseases. Identifiers: MedGen C0950123, MeSH D030342.

Allele frequency attached by ClinVar (database versions not stated): gnomAD exomes below 0.00001.
gnomAD v4.1: 1 of 1,613,788 alleles (0.000062%); highest among the groups gnomAD compares: Non-Finnish European, 0.000085%; no homozygotes.

Submissions (2):

Ambry Genetics
Classification: Uncertain significance for Inborn genetic diseases. Last evaluated: 2025-09-08. Review status: criteria provided, single submitter. Criteria: Ambry Variant Classification Scheme 2023. Collection method: clinical testing. Allele origin: germline.

Labcorp Genetics (formerly Invitae), Labcorp
Classification: Uncertain significance. Last evaluated: 2025-08-27. Review status: criteria provided, single submitter. Criteria: Invitae Variant Classification Sherloc (09022015). Collection method: clinical testing. Allele origin: germline.
Comment: This sequence change replaces glycine, which is neutral and non-polar, with serine, which is neutral and polar, at codon 276 of the DNAH9 protein (p.Gly276Ser). This variant is not present in population databases (gnomAD no frequency). This variant has not been reported in the literature in individuals affected with DNAH9-related conditions. ClinVar contains an entry for this variant (Variation ID: 2460842). An algorithm developed to predict the effect of missense changes on protein structure and function outputs the following: PolyPhen-2: "Benign". The serine amino acid residue is found in multiple mammalian species, which suggests that this missense change does not adversely affect protein function. In summary, the available evidence is currently insufficient to determine the role of this variant in disease. Therefore, it has been classified as a Variant of Uncertain Significance.